The following is an entry in ClinVar:

NM_004519.4(KCNQ3):c.1411C>T (p.Arg471Cys)

Gene: KCNQ3 (potassium voltage-gated channel subfamily Q member 3; minus strand). Cytogenetic location: 8q24.22.
Variant type: single nucleotide variant.
Coding change: c.1411C>T on transcript NM_004519.4 (MANE Select); coding-DNA position 1411, C replaced by T.
Protein change: p.Arg471Cys; replaces arginine 471 with cysteine.
Molecular consequence: missense variant.
Genome position (GRCh38, 1-based): chr8:132,141,183, G>A on the plus strand (C>T on the coding strand, the complement: KCNQ3 is on the minus strand). VCF-style: chr8-132141183-G-A. GRCh37 (hg19) VCF-style: chr8-133153430-G-A.
Other names: c.1051C>T, p.Arg351Cys (NM_001204824.2); short protein forms R351C, R471C.
Identifiers: ClinVar variation 1315176 (VCV001315176.3), dbSNP rs753513804, ClinGen allele CA4880709.

ClinVar aggregate classification (germline): Uncertain significance. Review status: criteria provided, multiple submitters, no conflicts (2 of 4 stars). 2 submissions from 2 submitters: Uncertain significance (2). Last evaluated 2025-08-04.

Conditions:
Benign neonatal seizures. Also called: Convulsions benign familial neonatal dominant form; Autosomal dominant form of benign neonatal seizures; Benign familial neonatal seizures; Benign neonatal familial convulsions; Benign familial neonatal epilepsy. Identifiers: Orphanet 1949, MedGen C0220669, MONDO:0016027.

Allele frequency attached by ClinVar (database versions not stated): ExAC 0.00002; gnomAD exomes 0.00003.
gnomAD v4.1: 17 of 1,614,168 alleles (0.0011%); highest among the groups gnomAD compares: Non-Finnish European, 0.000085%; no homozygotes.

Submissions (2):

Labcorp Genetics (formerly Invitae), Labcorp
Classification: Uncertain significance for Benign neonatal seizures. Last evaluated: 2025-08-04. Review status: criteria provided, single submitter. Criteria: Invitae Variant Classification Sherloc (09022015). Collection method: clinical testing. Allele origin: germline.
Comment: This sequence change replaces arginine, which is basic and polar, with cysteine, which is neutral and slightly polar, at codon 471 of the KCNQ3 protein (p.Arg471Cys). This variant is present in population databases (rs753513804, gnomAD 0.03%). This missense change has been observed in individual(s) with KCNQ3-related conditions (PMID: 33004838). ClinVar contains an entry for this variant (Variation ID: 1315176). Invitae Evidence Modeling of protein sequence and biophysical properties (such as structural, functional, and spatial information, amino acid conservation, physicochemical variation, residue mobility, and thermodynamic stability) indicates that this missense variant is not expected to disrupt KCNQ3 protein function with a negative predictive value of 80%. In summary, the available evidence is currently insufficient to determine the role of this variant in disease. Therefore, it has been classified as a Variant of Uncertain Significance.

GeneDx
Classification: Uncertain significance. Last evaluated: 2020-02-01. Review status: criteria provided, single submitter. Criteria: GeneDx Variant Classification Process June 2021. Collection method: clinical testing. Allele origin: germline. Affected: yes.
Comment: In silico analysis supports that this missense variant has a deleterious effect on protein structure/function; Has not been previously published as pathogenic or benign to our knowledge

Literature cited by the submitters: PubMed 33004838 (cited by Labcorp Genetics (formerly Invitae), Labcorp).